The following is an entry in ClinVar:

NM_025137.4(SPG11):c.4216G>T (p.Ala1406Ser)

Genes: SPG11 (SPG11 vesicle trafficking associated, spatacsin; minus strand), LOC130056973 (ATAC-STARR-seq lymphoblastoid active region 9341; plus strand). Cytogenetic location: 15q21.1.
Variant type: single nucleotide variant.
Coding change: c.4216G>T on transcript NM_025137.4 (MANE Select); coding-DNA position 4216, G replaced by T.
Protein change: p.Ala1406Ser; replaces alanine 1406 with serine.
Molecular consequence: missense variant.
Genome position (GRCh38, 1-based): chr15:44,596,301, C>A on the plus strand (G>T on the coding strand, the complement: SPG11 is on the minus strand). VCF-style: chr15-44596301-C-A. GRCh37 (hg19) VCF-style: chr15-44888499-C-A.
Other names: c.4216G>T, p.Ala1406Ser (NM_001160227.2); short protein forms A1406S.
Identifiers: ClinVar variation 578935 (VCV000578935.49), dbSNP rs748925327, ClinGen allele CA7534729.

ClinVar aggregate classification (germline): Uncertain significance. Review status: criteria provided, multiple submitters, no conflicts (2 of 4 stars). 6 submissions from 4 submitters: Uncertain significance (6). Last evaluated 2024-11-05.

Conditions:
Charcot-Marie-Tooth disease axonal type 2X. Also called: CHARCOT-MARIE-TOOTH DISEASE, AXONAL, AUTOSOMAL RECESSIVE, TYPE 2X; CHARCOT-MARIE-TOOTH NEUROPATHY, TYPE 2X. Identifiers: Orphanet 466775, MedGen C5569024, MONDO:0014726, OMIM 616668.
Hereditary spastic paraplegia 11. Also called: SPASTIC PARAPLEGIA, AUTOSOMAL RECESSIVE, COMPLICATED, WITH THIN CORPUS CALLOSUM; SPASTIC PARAPLEGIA, AUTOSOMAL RECESSIVE, WITH MENTAL IMPAIRMENT AND THIN CORPUS CALLOSUM; Spastic Paraplegia 11; Nakamura Osame syndrome; Autosomal recessive hereditary spastic paraplegia, mental impairment, and thin corpus callosum; Spastic paraplegia, mental retardation and thin corpus callosum. Identifiers: Orphanet 2822, MedGen C1858479, MONDO:0011445, OMIM 604360.
Inborn genetic diseases. Identifiers: MedGen C0950123, MeSH D030342.
Amyotrophic lateral sclerosis type 5 (ALS5). Also called: AMYOTROPHIC LATERAL SCLEROSIS 5, JUVENILE. Identifiers: Orphanet 300605, MedGen C1865864, MONDO:0011196, OMIM 602099.

Allele frequency attached by ClinVar (database versions not stated): ExAC 0.00001; gnomAD 0.00001; gnomAD exomes 0.00002; TOPMed 0.00002.

Submissions (6):

Labcorp Genetics (formerly Invitae), Labcorp
Classification: Uncertain significance for Hereditary spastic paraplegia 11. Last evaluated: 2024-11-05. Review status: criteria provided, single submitter. Criteria: Invitae Variant Classification Sherloc (09022015). Collection method: clinical testing. Allele origin: germline.
Comment: This sequence change replaces alanine, which is neutral and non-polar, with serine, which is neutral and polar, at codon 1406 of the SPG11 protein (p.Ala1406Ser). This variant is present in population databases (rs748925327, gnomAD 0.009%). This variant has not been reported in the literature in individuals affected with SPG11-related conditions. ClinVar contains an entry for this variant (Variation ID: 578935). Invitae Evidence Modeling of protein sequence and biophysical properties (such as structural, functional, and spatial information, amino acid conservation, physicochemical variation, residue mobility, and thermodynamic stability) indicates that this missense variant is expected to disrupt SPG11 protein function with a positive predictive value of 80%. In summary, the available evidence is currently insufficient to determine the role of this variant in disease. Therefore, it has been classified as a Variant of Uncertain Significance.

Ambry Genetics
Classification: Uncertain significance for Inborn genetic diseases. Last evaluated: 2021-12-14. Review status: criteria provided, single submitter. Criteria: Ambry Variant Classification Scheme 2023. Collection method: clinical testing. Allele origin: germline.
Comment: The p.A1406S variant (also known as c.4216G>T), located in coding exon 25 of the SPG11 gene, results from a G to T substitution at nucleotide position 4216. The alanine at codon 1406 is replaced by serine, an amino acid with similar properties. This amino acid position is conserved. In addition, the in silico prediction for this alteration is inconclusive. Since supporting evidence is limited at this time, the clinical significance of this alteration remains unclear.

CeGaT Center for Human Genetics Tuebingen
Classification: Uncertain significance. Last evaluated: 2018-03-01. Review status: criteria provided, single submitter. Criteria: CeGaT Center For Human Genetics Tuebingen Variant Classification Criteria Version 2. Collection method: clinical testing. Allele origin: germline. Affected: yes. Observed: 1 variant allele.

Genome-Nilou Lab
Classification: Uncertain significance for Amyotrophic lateral sclerosis type 5. Review status: criteria provided, single submitter. Criteria: ACMG Guidelines, 2015. Collection method: clinical testing. Allele origin: germline.

Genome-Nilou Lab
Classification: Uncertain significance for Charcot-Marie-Tooth disease axonal type 2X. Review status: criteria provided, single submitter. Criteria: ACMG Guidelines, 2015. Collection method: clinical testing. Allele origin: germline.

Genome-Nilou Lab
Classification: Uncertain significance for Hereditary spastic paraplegia 11. Review status: criteria provided, single submitter. Criteria: ACMG Guidelines, 2015. Collection method: clinical testing. Allele origin: germline.